The following is an entry in ClinVar:

ClinVar aggregate classification (germline): Uncertain significance. Review status: criteria provided, multiple submitters, no conflicts (2 of 4 stars). 4 submissions from 4 submitters: Uncertain significance (4). Last evaluated 2026-05-18.

Conditions:
Neuronopathy, distal hereditary motor, autosomal recessive 4. Also called: Autosomal recessive lower motor neuron disease with childhood onset; NEUROPATHY, DISTAL HEREDITARY MOTOR, AUTOSOMAL RECESSIVE 4. Identifiers: Orphanet 206580, MedGen C1970211, MONDO:0012608, OMIM 611067.
Charcot-Marie-Tooth disease recessive intermediate C. Also called: CHARCOT-MARIE-TOOTH NEUROPATHY, RECESSIVE INTERMEDIATE C. Identifiers: Orphanet 369867, MedGen C3809309, MONDO:0014154, OMIM 615376.

Allele frequency attached by ClinVar (database versions not stated): gnomAD 0.00005; TOPMed 0.00008; 1000 Genomes Project 30x 0.00016.
gnomAD v4.1: 89 of 1,605,188 alleles (0.0055%); highest among the groups gnomAD compares: East Asian, 0.018%; no homozygotes.

Submissions (4):

Women's Health and Genetics/Laboratory Corporation of America, LabCorp
Classification: Uncertain significance. Last evaluated: 2026-05-18. Review status: criteria provided, single submitter. Criteria: LabCorp Variant Classification Summary - May 2015. Collection method: clinical testing. Allele origin: germline.
Comment: Variant summary: PLEKHG5 c.2569C>T (p.Arg857Cys) results in a non-conservative amino acid change in the encoded protein sequence. Algorithms developed to predict the effect of missense changes on protein structure and function are either unavailable or do not agree on the potential impact of this missense change. The variant allele was found at a frequency of 5e-05 in 239858 control chromosomes. This frequency is not significantly higher than estimated for disease-causing variants in PLEKHG5, allowing no conclusion about variant significance. To our knowledge, no occurrence of c.2569C>T in individuals affected with PLEKHG5-related conditions and no experimental evidence demonstrating its impact on protein function have been reported. ClinVar contains an entry for this variant (Variation ID: 835078). Based on the evidence outlined above, the variant was classified as uncertain significance.

Labcorp Genetics (formerly Invitae), Labcorp
Classification: Uncertain significance for Neuronopathy, distal hereditary motor, autosomal recessive 4; Charcot-Marie-Tooth disease recessive intermediate C. Last evaluated: 2022-03-18. Review status: criteria provided, single submitter. Criteria: Invitae Variant Classification Sherloc (09022015). Collection method: clinical testing. Allele origin: germline.
Comment: This sequence change replaces arginine, which is basic and polar, with cysteine, which is neutral and slightly polar, at codon 857 of the PLEKHG5 protein (p.Arg857Cys). This variant is present in population databases (rs193245630, gnomAD 0.02%). This variant has not been reported in the literature in individuals affected with PLEKHG5-related conditions. ClinVar contains an entry for this variant (Variation ID: 835078). Algorithms developed to predict the effect of missense changes on protein structure and function output the following: SIFT: "Deleterious"; PolyPhen-2: "Benign"; Align-GVGD: "Class C0". The cysteine amino acid residue is found in multiple mammalian species, which suggests that this missense change does not adversely affect protein function. In summary, the available evidence is currently insufficient to determine the role of this variant in disease. Therefore, it has been classified as a Variant of Uncertain Significance.

GeneDx
Classification: Uncertain significance. Last evaluated: 2020-10-16. Review status: criteria provided, single submitter. Criteria: GeneDx Variant Classification Process June 2021. Collection method: clinical testing. Allele origin: germline. Affected: yes.
Comment: In silico analysis supports that this missense variant has a deleterious effect on protein structure/function; Has not been previously published as pathogenic or benign to our knowledge

ARUP Laboratories, Molecular Genetics and Genomics, ARUP Laboratories
Classification: Uncertain significance. Last evaluated: 2019-12-14. Review status: criteria provided, single submitter. Criteria: ARUP Molecular Germline Variant Investigation Process. Collection method: clinical testing. Allele origin: germline.
Comment: The PLEKHG5 c.2569C>T; p.Arg857Cys variant (rs193245630), to our knowledge, is not reported in the medical literature or gene specific databases. This variant is found in the East Asian population with an allele frequency of 0.02% (3/19,632 alleles) in the Genome Aggregation Database. The arginine at codon 857 is moderately conserved, and computational analyses (SIFT, PolyPhen-2) predict that this variant is deleterious. Due to limited information, the clinical significance of the p.Arg857Cys variant is uncertain at this time.

NM_020631.6(PLEKHG5):c.2569C>T (p.Arg857Cys)

Gene: PLEKHG5 (pleckstrin homology and RhoGEF domain containing G5; minus strand). Cytogenetic location: 1p36.31.
Variant type: single nucleotide variant.
Coding change: c.2569C>T on transcript NM_020631.6 (MANE Select); coding-DNA position 2569, C replaced by T.
Protein change: p.Arg857Cys; replaces arginine 857 with cysteine.
Molecular consequence: missense variant.
Genome position (GRCh38, 1-based): chr1:6,468,267, G>A on the plus strand (C>T on the coding strand, the complement: PLEKHG5 is on the minus strand). VCF-style: chr1-6468267-G-A. GRCh37 (hg19) VCF-style: chr1-6528327-G-A.
Other names: c.2680C>T, p.Arg894Cys (NM_001042663.3, NM_001265592.2); c.2569C>T, p.Arg857Cys (NM_001042664.2, NM_001042665.2, NM_001265594.3 and 1 more transcripts); c.2776C>T, p.Arg926Cys (NM_001265593.2); short protein forms R857C, R926C, R894C.
Identifiers: ClinVar variation 835078 (VCV000835078.15), dbSNP rs193245630, ClinGen allele CA561134.